The following is an entry in ClinVar:

ClinVar aggregate classification (germline): Likely pathogenic. Review status: criteria provided, multiple submitters, no conflicts (2 of 4 stars). 2 submissions from 2 submitters: Likely pathogenic (2). Last evaluated 2026-02-16.

Conditions:
POLD1-related polyposis and colorectal cancer syndrome (CRCS10). Also called: COLORECTAL CANCER, SUSCEPTIBILITY TO, ON CHROMOSOME 19q; Colorectal cancer 10; Colorectal cancer, susceptibility to, 10. Identifiers: Orphanet 220460, MedGen C2675481, MONDO:0012953, OMIM 612591.

Submissions (2):

GeneDx
Classification: Likely pathogenic. Last evaluated: 2026-02-16. Review status: criteria provided, single submitter. Criteria: GeneDx Variant Classification Process June 2021. Collection method: clinical testing. Allele origin: germline.
Comment: Not observed at significant frequency in large population cohorts (gnomAD); In silico analysis supports that this missense variant has a deleterious effect on protein structure/function; This variant is associated with the following publications: (PMID: 31582849, 30388038, 33618333, 30862463, 28791128, 29199204, 28521875, 35356184, 33477564, 27320729, 34517090, 35590056, 28944914, 31034466, 31257224, 26172944, 25131834, 20951805)

Labcorp Genetics (formerly Invitae), Labcorp
Classification: Likely pathogenic for POLD1-related polyposis and colorectal cancer syndrome. Last evaluated: 2025-08-21. Review status: criteria provided, single submitter. Criteria: Invitae Variant Classification Sherloc (09022015). Collection method: clinical testing. Allele origin: germline.
Comment: This sequence change replaces arginine, which is basic and polar, with cysteine, which is neutral and slightly polar, at codon 507 of the POLD1 protein (p.Arg507Cys). This variant is not present in population databases (gnomAD no frequency). This missense change has been observed in individual(s) with POLD1-related conditions (PMID: 25131834, 26172944). In at least one individual the variant was observed to be de novo. ClinVar contains an entry for this variant (Variation ID: 239243). Invitae Evidence Modeling of protein sequence and biophysical properties (such as structural, functional, and spatial information, amino acid conservation, physicochemical variation, residue mobility, and thermodynamic stability) indicates that this missense variant is expected to disrupt POLD1 protein function with a positive predictive value of 80%. In summary, the currently available evidence indicates that the variant is pathogenic, but additional data are needed to prove that conclusively. Therefore, this variant has been classified as Likely Pathogenic.

Literature cited by the submitters: PubMed 25131834 (cited by Labcorp Genetics (formerly Invitae), Labcorp); PubMed 26172944 (cited by Labcorp Genetics (formerly Invitae), Labcorp).

NM_002691.4(POLD1):c.1519C>T (p.Arg507Cys)

Gene: POLD1 (DNA polymerase delta 1, catalytic subunit; plus strand). Cytogenetic location: 19q13.33.
Variant type: single nucleotide variant.
Coding change: c.1519C>T on transcript NM_002691.4 (MANE Select); coding-DNA position 1519, C replaced by T.
Protein change: p.Arg507Cys; replaces arginine 507 with cysteine.
Molecular consequence: missense variant. On other transcripts: non-coding transcript variant (1).
Genome position (GRCh38, 1-based): chr19:50,407,007, C>T. VCF-style: chr19-50407007-C-T. GRCh37 (hg19) VCF-style: chr19-50910264-C-T.
Other names: c.1519C>T, p.Arg507Cys (NM_001256849.1, NM_001308632.1); short protein forms R507C.
Identifiers: ClinVar variation 239243 (VCV000239243.9), dbSNP rs878854523, ClinGen allele CA10583829.